The following is an entry in ClinVar:

ClinVar aggregate classification (germline): Uncertain significance. Review status: criteria provided, multiple submitters, no conflicts (2 of 4 stars). 2 submissions from 2 submitters: Uncertain significance (2). Last evaluated 2025-01-27.

Conditions:
Inborn genetic diseases. Identifiers: MedGen C0950123, MeSH D030342.

Allele frequency attached by ClinVar (database versions not stated): gnomAD exomes below 0.00001.
gnomAD v4.1: 4 of 1,611,648 alleles (0.00025%); highest among the groups gnomAD compares: South Asian, 0.0011%; no homozygotes.

Submissions (2):

Ambry Genetics
Classification: Uncertain significance for Inborn genetic diseases. Last evaluated: 2025-01-27. Review status: criteria provided, single submitter. Criteria: Ambry Variant Classification Scheme 2023. Collection method: clinical testing. Allele origin: germline.

Labcorp Genetics (formerly Invitae), Labcorp
Classification: Uncertain significance. Last evaluated: 2021-12-24. Review status: criteria provided, single submitter. Criteria: Invitae Variant Classification Sherloc (09022015). Collection method: clinical testing. Allele origin: germline.
Comment: This sequence change replaces methionine, which is neutral and non-polar, with valine, which is neutral and non-polar, at codon 4290 of the DNAH9 protein (p.Met4290Val). This variant is present in population databases (no rsID available, gnomAD 0.003%). This variant has not been reported in the literature in individuals affected with DNAH9-related conditions. Algorithms developed to predict the effect of missense changes on protein structure and function are either unavailable or do not agree on the potential impact of this missense change (SIFT: "Deleterious"; PolyPhen-2: "Possibly Damaging"; Align-GVGD: "Class C0"). In summary, the available evidence is currently insufficient to determine the role of this variant in disease. Therefore, it has been classified as a Variant of Uncertain Significance.

NM_001372.4(DNAH9):c.12868A>G (p.Met4290Val)

Gene: DNAH9 (dynein axonemal heavy chain 9; plus strand). Cytogenetic location: 17p12.
Variant type: single nucleotide variant.
Coding change: c.12868A>G on transcript NM_001372.4 (MANE Select); coding-DNA position 12868, A replaced by G.
Protein change: p.Met4290Val; replaces methionine 4290 with valine.
Molecular consequence: missense variant.
Genome position (GRCh38, 1-based): chr17:11,961,891, A>G. VCF-style: chr17-11961891-A-G. GRCh37 (hg19) VCF-style: chr17-11865208-A-G.
Other names: c.1804A>G, p.Met602Val (NM_004662.2); c.12868A>G (NM_001372.3); short protein forms M4290V, M602V.
Identifiers: ClinVar variation 1925399 (VCV001925399.6), dbSNP rs1289663441, ClinGen allele CA398201516.